The following is an entry in ClinVar:

NM_017780.4(CHD7):c.3752G>A (p.Cys1251Tyr)

Gene: CHD7 (chromodomain helicase DNA binding protein 7; plus strand). Cytogenetic location: 8q12.2.
Variant type: single nucleotide variant.
Coding change: c.3752G>A on transcript NM_017780.4 (MANE Select); coding-DNA position 3752, G replaced by A.
Protein change: p.Cys1251Tyr; replaces cysteine 1251 with tyrosine.
Molecular consequence: missense variant. On other transcripts: intron variant (1).
Genome position (GRCh38, 1-based): chr8:60,830,551, G>A. VCF-style: chr8-60830551-G-A. GRCh37 (hg19) VCF-style: chr8-61743110-G-A.
Other names: c.1717-31678G>A (NM_001316690.1); c.3752G>A (NM_017780.3); short protein forms C1251Y.
Identifiers: ClinVar variation 3343196 (VCV003343196.1).

ClinVar aggregate classification (germline): Uncertain significance. Review status: criteria provided, single submitter (1 of 4 stars). 2 submissions from 2 submitters: Uncertain significance (1). 1 of the submissions does not count toward it. Last evaluated 2023-04-28.

Conditions:
CHD7-related disorder. Also called: CHD7-related condition.

Submissions (2):

GeneDx
Classification: Uncertain significance. Last evaluated: 2023-04-28. Review status: criteria provided, single submitter. Criteria: GeneDx Variant Classification Process June 2021. Collection method: clinical testing. Allele origin: germline. Affected: yes.
Comment: Not observed at significant frequency in large population cohorts (gnomAD); In silico analysis supports that this missense variant has a deleterious effect on protein structure/function; Has not been previously published as pathogenic or benign to our knowledge; A different missense change at this residue (p.C1251F) has been reported in the published literature in association with Kallman syndrome (Sun et al., 2021); This variant is associated with the following publications: (PMID: 35047002)

PreventionGenetics, part of Exact Sciences
Classification: Likely pathogenic for CHD7-related condition. Last evaluated: 2024-07-15. Review status: no assertion criteria provided. Collection method: clinical testing. Allele origin: germline. Not counted in ClinVar's aggregate classification.
Comment: The CHD7 c.3752G>A variant is predicted to result in the amino acid substitution p.Cys1251Tyr. To our knowledge, this variant has not been reported in the literature or in the large population database gnomAD, indicating this variant is rare. An alternate substitution of this amino acid residue (p.Cys1251Phe) has been reported in a cohort of individuals with congenital hypogonadotropic hypogonadism (Sun et al. 2021. PubMed ID: 35047002). This variant is interpreted as likely pathogenic.